The following is an entry in ClinVar:

ClinVar aggregate classification (germline): Uncertain significance (1 of 4 stars; one submission).

Submission:

GeneDx
Classification: Uncertain significance. Last evaluated: 2026-03-19. Review status: criteria provided, single submitter. Criteria: GeneDx Variant Classification Process June 2021. Collection method: clinical testing. Allele origin: germline.
Comment: Not observed at significant frequency in large population cohorts (gnomAD); In silico analysis supports that this missense variant has a deleterious effect on protein structure/function; Has not been previously published as pathogenic or benign to our knowledge

NM_000516.7(GNAS):c.533T>G (p.Phe178Cys)

Gene: GNAS (GNAS complex locus; plus strand). Cytogenetic location: 20q13.32.
Variant type: single nucleotide variant.
Coding change: c.533T>G on transcript NM_000516.7 (MANE Select); coding-DNA position 533, T replaced by G.
Protein change: p.Phe178Cys; replaces phenylalanine 178 with cysteine.
Molecular consequence: missense variant. On other transcripts: 3 prime UTR variant (2).
Genome position (GRCh38, 1-based): chr20:58,909,164, T>G. VCF-style: chr20-58909164-T-G. GRCh37 (hg19) VCF-style: chr20-57484219-T-G.
Other names: c.536T>G, p.Phe179Cys (NM_001077488.5); c.488T>G, p.Phe163Cys (NM_001077489.4); c.*394T>G (NM_001077490.3); c.356T>G, p.Phe119Cys (NM_001309840.2, NM_001309861.2, NM_001438276.1 and 1 more transcripts); c.437T>G, p.Phe146Cys (NM_001410912.1); c.2417T>G, p.Phe806Cys (NM_001410913.1); c.311T>G, p.Phe104Cys (NM_001438273.1, NM_001438274.1, NM_001438275.1); c.*439T>G (NM_016592.5); and 2 more; short protein forms F104C, F146C, F164C, F806C, F821C, F119C, F163C, F178C.
Identifiers: ClinVar variation 5009452 (VCV005009452.1).
Genomic context (GRCh38, chr20:58,909,164, plus strand): 5'-AGTTGGCAAATTGATGTGAGCGCTGTGAACACCCCACGTGTCTTTCTTTTTCTCCCAGCT[T>G]CCTGGACAAGATCGACGTGATCAAGCAGGCTGACTATGTGCCGAGCGATCAGGTGTGCAA-3'
Protein context (NP_000507.1, residues 168-188): EYQLIDCAQY[Phe178Cys]LDKIDVIKQA